The following is an entry in ClinVar:

NM_001374828.1(ARID1B):c.3156del (p.Pro1052_Met1053insTer)

Gene: ARID1B (AT-rich interaction domain 1B; plus strand). Cytogenetic location: 6q25.3.
Variant type: Deletion.
Coding change: c.3156del on transcript NM_001374828.1 (MANE Select); coding-DNA position 3156, one base deleted (C; older notation c.3156delC).
Protein change: p.Pro1052_Met1053insTer.
Molecular consequence: frameshift variant.
Genome position (GRCh38, 1-based): chr6:157,167,106, C deleted; the last of 3 consecutive C bases (chr6:157,167,104-157,167,106); deleting any one gives the same sequence. VCF-style (leftmost placement, unchanged base first): chr6-157167103-GC-G. GRCh37 (hg19) VCF-style: chr6-157488237-GC-G.
Other names: c.2946delC (NM_020732.3); c.657del, p.Pro219_Met220insTer (NM_001363725.2); c.3195del, p.Pro1065_Met1066insTer (NM_001371656.1, NM_001374820.1); c.3156del, p.Pro1052_Met1053insTer (NM_017519.3).
Identifiers: ClinVar variation 504006 (VCV000504006.2), dbSNP rs1554228806, ClinGen allele CA658796870.

ClinVar aggregate classification (germline): Pathogenic (1 of 4 stars; one submission).

Submission:

GeneDx
Classification: Pathogenic. Last evaluated: 2018-01-05. Review status: criteria provided, single submitter. Criteria: GeneDx Variant Classification (06012015). Collection method: clinical testing. Allele origin: germline. Affected: yes.
Comment: The c.2946delC variant in the ARID1B gene has not been reported previously as a pathogenic variant nor as a benign variant, to our knowledge. The c.2946delC variant causes a frameshift changing codon Methionine 983 to a premature Stop codon, denoted p.Met983Ter. This variant is predicted to cause loss of normal protein function either through protein truncation or nonsense-mediated mRNA decay. The c.2946delC variant is not observed in large population cohorts (Lek et al., 2016). We interpret c.2946delC as a pathogenic variant.